The following is an entry in ClinVar:

ClinVar aggregate classification (germline): Uncertain significance (1 of 4 stars; one submission).

Submission:

Women's Health and Genetics/Laboratory Corporation of America, LabCorp
Classification: Uncertain significance. Last evaluated: 2023-09-27. Review status: criteria provided, single submitter. Criteria: LabCorp Variant Classification Summary - May 2015. Collection method: clinical testing. Allele origin: germline.
Comment: Variant summary: RYR1 c.13408G>A (p.Gly4470Ser) results in a non-conservative amino acid change located in the Ryanodine Receptor TM 4-6 (IPR009460) of the encoded protein sequence. Four of four in-silico tools predict a damaging effect of the variant on protein function. The variant was absent in 31332 control chromosomes. The available data on variant occurrences in the general population are insufficient to allow any conclusion about variant significance. To our knowledge, no occurrence of c.13408G>A in individuals affected with Malignant Hyperthermia Susceptibility and no experimental evidence demonstrating its impact on protein function have been reported. No submitters have cited clinical-significance assessments for this variant to ClinVar after 2014. Based on the evidence outlined above, the variant was classified as uncertain significance.

NM_000540.3(RYR1):c.13408G>A (p.Gly4470Ser)

Gene: RYR1 (ryanodine receptor 1; plus strand). Cytogenetic location: 19q13.2.
Variant type: single nucleotide variant.
Coding change: c.13408G>A on transcript NM_000540.3 (MANE Select); coding-DNA position 13408, G replaced by A.
Protein change: p.Gly4470Ser; replaces glycine 4470 with serine.
Molecular consequence: missense variant.
Genome position (GRCh38, 1-based): chr19:38,565,742, G>A. VCF-style: chr19-38565742-G-A. GRCh37 (hg19) VCF-style: chr19-39056382-G-A.
Other names: c.13393G>A, p.Gly4465Ser (NM_001042723.2); short protein forms G4465S, G4470S.
Identifiers: ClinVar variation 2627336 (VCV002627336.1), dbSNP rs2514682424, ClinGen allele CA405675693.